The following is an entry in ClinVar:

NM_000260.4(MYO7A):c.1901G>A (p.Arg634Gln)

Gene: MYO7A (myosin VIIA; plus strand). Cytogenetic location: 11q13.5.
Variant type: single nucleotide variant.
Coding change: c.1901G>A on transcript NM_000260.4 (MANE Select); coding-DNA position 1901, G replaced by A.
Protein change: p.Arg634Gln; replaces arginine 634 with glutamine.
Molecular consequence: missense variant.
Genome position (GRCh38, 1-based): chr11:77,172,851, G>A. VCF-style: chr11-77172851-G-A. GRCh37 (hg19) VCF-style: chr11-76883897-G-A.
Other names: c.1901G>A, p.Arg634Gln (NM_001127180.2); c.1868G>A, p.Arg623Gln (NM_001369365.1); short protein forms R634Q, R623Q.
Identifiers: ClinVar variation 802706 (VCV000802706.54), dbSNP rs781812509, ClinGen allele CA6197634.

ClinVar aggregate classification (germline): Uncertain significance. Review status: criteria provided, multiple submitters, no conflicts (2 of 4 stars). 6 submissions from 6 submitters: Uncertain significance (5). 1 of the submissions does not count toward it. Last evaluated 2025-09-02.

Conditions:
Usher syndrome type 1B (USH1B). Also called: Usher syndrome type IB. Identifiers: MedGen C1848638, MONDO:0700087.
Autosomal recessive nonsyndromic hearing loss 2. Also called: NEUROSENSORY NONSYNDROMIC RECESSIVE DEAFNESS 2; DEAFNESS, AUTOSOMAL RECESSIVE 2. Identifiers: Orphanet 90636, MedGen C1838701, MONDO:0010807, OMIM 600060.

Allele frequency attached by ClinVar (database versions not stated): ExAC below 0.00001; gnomAD 0.00003 and 0.00004; TOPMed 0.00003; gnomAD exomes 0.00004 and 0.00006.
gnomAD v4.1: 83 of 1,552,036 alleles (0.0053%); highest among the groups gnomAD compares: Non-Finnish European, 0.0064%; no homozygotes.

Submissions (6):

Labcorp Genetics (formerly Invitae), Labcorp
Classification: Uncertain significance. Last evaluated: 2025-09-02. Review status: criteria provided, single submitter. Criteria: Invitae Variant Classification Sherloc (09022015). Collection method: clinical testing. Allele origin: germline.
Comment: This sequence change replaces arginine, which is basic and polar, with glutamine, which is neutral and polar, at codon 634 of the MYO7A protein (p.Arg634Gln). This variant is present in population databases (rs781812509, gnomAD 0.01%). This variant has not been reported in the literature in individuals affected with MYO7A-related conditions. ClinVar contains an entry for this variant (Variation ID: 802706). Invitae Evidence Modeling of protein sequence and biophysical properties (such as structural, functional, and spatial information, amino acid conservation, physicochemical variation, residue mobility, and thermodynamic stability) indicates that this missense variant is expected to disrupt MYO7A protein function with a positive predictive value of 95%. In summary, the available evidence is currently insufficient to determine the role of this variant in disease. Therefore, it has been classified as a Variant of Uncertain Significance.

GeneDx
Classification: Uncertain significance. Last evaluated: 2022-05-04. Review status: criteria provided, single submitter. Criteria: GeneDx Variant Classification Process June 2021. Collection method: clinical testing. Allele origin: germline. Affected: yes.
Comment: Observed with multiple variants in the MYO7A gene in a patient with hearing loss in published literature (He et al., 2018); In silico analysis, which includes protein predictors and evolutionary conservation, supports a deleterious effect; This variant is associated with the following publications: (PMID: 29178603)

CeGaT Center for Human Genetics Tuebingen
Classification: Uncertain significance. Last evaluated: 2020-03-01. Review status: criteria provided, single submitter. Criteria: CeGaT Center For Human Genetics Tuebingen Variant Classification Criteria Version 2. Collection method: clinical testing. Allele origin: germline. Affected: yes. Observed: 2 variant alleles.

Laboratory for Molecular Medicine, Mass General Brigham Personalized Medicine
Classification: Uncertain significance. Last evaluated: 2019-11-06. Review status: criteria provided, single submitter. Criteria: LMM Criteria. Collection method: clinical testing. Allele origin: germline. Observed: 1 variant allele.
Comment: The p.Arg634Gln variant in MYO7A has been previously reported in an individual with moderate hearing loss who had a truncating MYO7A variant confirmed in trans (He 2018). This variant has been identified in 0.01% (1/8036) in African chromosomes by gnomAD. Computational prediction tools and conservation analyses suggest that this variant may impact the protein, though this information is not predictive enough to determine pathogenicity. In summary, the clinical significance of this variant is uncertain. ACMG/AMP criteria applied: PM3, PM2_Supporting, PP3.

Mendelics
Classification: Uncertain significance for Autosomal recessive nonsyndromic hearing loss 2. Last evaluated: 2019-05-28. Review status: criteria provided, single submitter. Criteria: Mendelics Assertion Criteria 2017. Collection method: clinical testing. Allele origin: unknown.

Natera, Inc.
Classification: Uncertain significance for Usher syndrome type 1B. Last evaluated: 2021-05-07. Review status: no assertion criteria provided. Collection method: clinical testing. Allele origin: germline. Not counted in ClinVar's aggregate classification.

Literature cited by the submitters: PubMed 29178603 (cited by Laboratory for Molecular Medicine, Mass General Brigham Personalized Medicine).